The following is an entry in ClinVar:

NM_001197104.2(KMT2A):c.1660C>T (p.Gln554Ter)

Gene: KMT2A (lysine methyltransferase 2A; plus strand). Cytogenetic location: 11q23.3.
Variant type: single nucleotide variant.
Coding change: c.1660C>T on transcript NM_001197104.2 (MANE Select); coding-DNA position 1660, C replaced by T.
Protein change: p.Gln554Ter; replaces glutamine 554 with a stop codon.
Molecular consequence: nonsense.
Genome position (GRCh38, 1-based): chr11:118,472,819, C>T. VCF-style: chr11-118472819-C-T. GRCh37 (hg19) VCF-style: chr11-118343534-C-T.
Other names: c.1660C>T, p.Gln554Ter (NM_005933.4); short protein forms Q554*.
Identifiers: ClinVar variation 1031916 (VCV001031916.2), dbSNP rs1949967549, ClinGen allele CA382810598.

ClinVar aggregate classification (germline): Pathogenic/Likely pathogenic. Review status: criteria provided, multiple submitters, no conflicts (2 of 4 stars). 2 submissions from 2 submitters: Pathogenic (1); Likely pathogenic (1). Last evaluated 2024-07-19.

Conditions:
Wiedemann-Steiner syndrome (WDSTS). Also called: Growth deficiency and mental retardation with facial dysmorphism. Identifiers: Orphanet 319182, MedGen C1854630, MONDO:0011518, OMIM 605130.

Submissions (2):

Revvity Omics, Revvity
Classification: Likely pathogenic for Wiedemann-Steiner syndrome. Last evaluated: 2024-07-19. Review status: criteria provided, single submitter. Criteria: ACMG Guidelines, 2015. Collection method: clinical testing. Allele origin: germline.

Baylor Genetics
Classification: Pathogenic for Wiedemann-Steiner syndrome. Last evaluated: 2018-04-22. Review status: criteria provided, single submitter. Criteria: ACMG Guidelines, 2015. Collection method: clinical testing. Allele origin: de novo. Affected: yes.
Comment: This variant was determined to be pathogenic according to ACMG Guidelines, 2015 [PMID:25741868].